The following is an entry in ClinVar:

NM_000124.4(ERCC6):c.304C>G (p.Gln102Glu)

Gene: ERCC6 (ERCC excision repair 6, chromatin remodeling factor; minus strand). Cytogenetic location: 10q11.23.
Variant type: single nucleotide variant.
Coding change: c.304C>G on transcript NM_000124.4 (MANE Select); coding-DNA position 304, C replaced by G.
Protein change: p.Gln102Glu; replaces glutamine 102 with glutamic acid.
Molecular consequence: missense variant.
Genome position (GRCh38, 1-based): chr10:49,532,661, G>C on the plus strand (C>G on the coding strand, the complement: ERCC6 is on the minus strand). VCF-style: chr10-49532661-G-C. GRCh37 (hg19) VCF-style: chr10-50740707-G-C.
Other names: c.304C>G, p.Gln102Glu (NM_001277058.2, NM_001277059.2, NM_001346440.2); short protein forms Q102E.
Identifiers: ClinVar variation 1313403 (VCV001313403.2), dbSNP rs1339834464, ClinGen allele CA376712509.

ClinVar aggregate classification (germline): Uncertain significance (1 of 4 stars; one submission).

Allele frequency attached by ClinVar (database versions not stated): gnomAD exomes below 0.00001; gnomAD 0.00001.
gnomAD v4.1: 3 of 1,614,052 alleles (0.00019%); highest among the groups gnomAD compares: Admixed American, 0.0017%; no homozygotes.

Submission:

GeneDx
Classification: Uncertain significance. Last evaluated: 2020-10-19. Review status: criteria provided, single submitter. Criteria: GeneDx Variant Classification Process June 2021. Collection method: clinical testing. Allele origin: germline. Affected: yes.
Comment: Not observed at a significant frequency in large population cohorts (Lek et al., 2016); In silico analysis supports that this missense variant does not alter protein structure/function; Has not been previously published as pathogenic or benign to our knowledge